The following is an entry in ClinVar:

NM_001378454.1(ALMS1):c.12120G>A (p.Ser4040=)

Genes: ALMS1 (ALMS1 centrosome and basal body associated protein; plus strand), LOC126806252 (BRD4-independent group 4 enhancer GRCh37_chr2:73828496-73829695; plus strand). Cytogenetic location: 2p13.1.
Variant type: single nucleotide variant.
Coding change: c.12120G>A on transcript NM_001378454.1 (MANE Select); coding-DNA position 12120, G replaced by A.
Protein change: p.Ser4040=; no amino-acid change (serine 4040 retained).
Molecular consequence: synonymous variant.
Genome position (GRCh38, 1-based): chr2:73,602,190, G>A. VCF-style: chr2-73602190-G-A. GRCh37 (hg19) VCF-style: chr2-73829317-G-A.
Other names: c.12123G>A, p.Ser4041= (NM_015120.4).
Identifiers: ClinVar variation 1150351 (VCV001150351.14), dbSNP rs764462322, ClinGen allele CA1715463.

ClinVar aggregate classification (germline): Likely benign. Review status: criteria provided, single submitter (1 of 4 stars). 3 submissions from 3 submitters: Likely benign (1). 2 of the submissions do not count toward it. Last evaluated 2025-12-29.

Conditions:
Alstrom syndrome (ALMS). Identifiers: Orphanet 64, MedGen C0268425, MONDO:0008763, OMIM 203800.
ALMS1-related disorder. Also called: ALMS1-related condition.

Allele frequency attached by ClinVar (database versions not stated): ExAC 0.00002; TOPMed 0.00002; gnomAD 0.00003 and 0.00004; gnomAD exomes 0.00003.
gnomAD v4.1: 27 of 1,613,374 alleles (0.0017%); highest among the groups gnomAD compares: East Asian, 0.022%; no homozygotes.

Submissions (3):

Labcorp Genetics (formerly Invitae), Labcorp
Classification: Likely benign for Alstrom syndrome. Last evaluated: 2025-12-29. Review status: criteria provided, single submitter. Criteria: Invitae Variant Classification Sherloc (09022015). Collection method: clinical testing. Allele origin: germline.

PreventionGenetics, part of Exact Sciences
Classification: Likely benign for ALMS1-related condition. Last evaluated: 2024-08-26. Review status: no assertion criteria provided. Collection method: clinical testing. Allele origin: germline. Not counted in ClinVar's aggregate classification.
Comment: This variant is classified as likely benign based on ACMG/AMP sequence variant interpretation guidelines (Richards et al. 2015 PMID: 25741868, with internal and published modifications).

Natera, Inc.
Classification: Likely benign for Alstrom syndrome. Last evaluated: 2020-04-23. Review status: no assertion criteria provided. Collection method: clinical testing. Allele origin: germline. Not counted in ClinVar's aggregate classification.